The following is an entry in ClinVar:

ClinVar aggregate classification (germline): Uncertain significance. Review status: criteria provided, multiple submitters, no conflicts (2 of 4 stars). 3 submissions from 3 submitters: Uncertain significance (3). Last evaluated 2025-08-03.

Conditions:
Inborn genetic diseases. Identifiers: MedGen C0950123, MeSH D030342.
Leigh syndrome (NULS). Also called: Leigh's syndrome; Leigh Syndrome (mtDNA deletion); Leigh Disease; Subacute necrotizing encephalopathy; Necrotizing encephalopathy infantile subacute of Leigh; LEIGH SYNDROME, NUCLEAR. Identifiers: Orphanet 506, MedGen C2931891, MONDO:0009723, OMIM 256000.

Allele frequency attached by ClinVar (database versions not stated): gnomAD 0.00003; TOPMed 0.00004.
gnomAD v4.1: 20 of 1,418,854 alleles (0.0014%); highest among the groups gnomAD compares: Middle Eastern, 0.025%; no homozygotes.

Submissions (3):

Ambry Genetics
Classification: Uncertain significance for Inborn genetic diseases. Last evaluated: 2025-08-03. Review status: criteria provided, single submitter. Criteria: Ambry Variant Classification Scheme 2023. Collection method: clinical testing. Allele origin: germline.

Women's Health and Genetics/Laboratory Corporation of America, LabCorp
Classification: Uncertain significance. Last evaluated: 2024-09-03. Review status: criteria provided, single submitter. Criteria: LabCorp Variant Classification Summary - May 2015. Collection method: clinical testing. Allele origin: germline.

Labcorp Genetics (formerly Invitae), Labcorp
Classification: Uncertain significance for Leigh syndrome. Last evaluated: 2022-03-21. Review status: criteria provided, single submitter. Criteria: Invitae Variant Classification Sherloc (09022015). Collection method: clinical testing. Allele origin: germline.
Comment: This sequence change replaces valine, which is neutral and non-polar, with methionine, which is neutral and non-polar, at codon 4 of the SURF1 protein (p.Val4Met). This variant is present in population databases (no rsID available, gnomAD 0.01%). This variant has not been reported in the literature in individuals affected with SURF1-related conditions. Algorithms developed to predict the effect of missense changes on protein structure and function are either unavailable or do not agree on the potential impact of this missense change (SIFT: "Tolerated"; PolyPhen-2: "Not Available"; Align-GVGD: "Class C0"). In summary, the available evidence is currently insufficient to determine the role of this variant in disease. Therefore, it has been classified as a Variant of Uncertain Significance.

NM_003172.4(SURF1):c.10G>A (p.Val4Met)

Gene: SURF1 (SURF1 cytochrome c oxidase assembly factor; minus strand). Cytogenetic location: 9q34.2.
Variant type: single nucleotide variant.
Coding change: c.10G>A on transcript NM_003172.4 (MANE Select); coding-DNA position 10, G replaced by A.
Protein change: p.Val4Met; replaces valine 4 with methionine.
Molecular consequence: missense variant. On other transcripts: 5 prime UTR variant (1).
Genome position (GRCh38, 1-based): chr9:133,356,444, C>T on the plus strand (G>A on the coding strand, the complement: SURF1 is on the minus strand). VCF-style: chr9-133356444-C-T. GRCh37 (hg19) VCF-style: chr9-136223320-C-T.
Other names: c.-266G>A (NM_001280787.1); c.10G>A (NM_003172.2); short protein forms V4M.
Identifiers: ClinVar variation 1524918 (VCV001524918.5), dbSNP rs1169550986, ClinGen allele CA375695205.